The following is an entry in ClinVar:

NM_021035.3(ZNFX1):c.253G>A (p.Glu85Lys)

Gene: ZNFX1 (zinc finger NFX1-type containing 1; minus strand). Cytogenetic location: 20q13.13.
Variant type: single nucleotide variant.
Coding change: c.253G>A on transcript NM_021035.3 (MANE Select); coding-DNA position 253, G replaced by A.
Protein change: p.Glu85Lys; replaces glutamic acid 85 with lysine.
Molecular consequence: missense variant.
Genome position (GRCh38, 1-based): chr20:49,271,559, C>T on the plus strand (G>A on the coding strand, the complement: ZNFX1 is on the minus strand). VCF-style: chr20-49271559-C-T. GRCh37 (hg19) VCF-style: chr20-47888096-C-T.
Other names: c.253G>A (NM_021035.2); short protein forms E85K.
Identifiers: ClinVar variation 2652389 (VCV002652389.25), dbSNP rs142430147, ClinGen allele CA9902677.

ClinVar aggregate classification (germline): Conflicting classifications of pathogenicity. Review status: criteria provided, conflicting classifications (1 of 4 stars). 2 submissions from 2 submitters: Uncertain significance (1); Likely benign (1). Last evaluated 2023-09-26.

Conditions:
Inborn genetic diseases. Identifiers: MedGen C0950123, MeSH D030342.

Allele frequency attached by ClinVar (database versions not stated): ESP Exome Variant Server 0.00015; TOPMed 0.00025; gnomAD 0.00029; gnomAD exomes 0.00056; ExAC 0.00076; 1000 Genomes Project 30x 0.00078; 1000 Genomes Project 0.00100.
gnomAD v4.1: 870 of 1,614,178 alleles (0.054%); highest among the groups gnomAD compares: Middle Eastern, 0.41%; 6 homozygotes.

Submissions (2):

Ambry Genetics
Classification: Uncertain significance for Inborn genetic diseases. Last evaluated: 2023-09-26. Review status: criteria provided, single submitter. Criteria: Ambry Variant Classification Scheme 2023. Collection method: clinical testing. Allele origin: germline.

CeGaT Center for Human Genetics Tuebingen
Classification: Likely benign. Last evaluated: 2023-06-01. Review status: criteria provided, single submitter. Criteria: CeGaT Center For Human Genetics Tuebingen Variant Classification Criteria Version 2. Collection method: clinical testing. Allele origin: germline. Affected: yes. Observed: 2 variant alleles.
Comment: ZNFX1: BP4